The following is an entry in ClinVar:

ClinVar aggregate classification (germline): Uncertain significance (1 of 4 stars; one submission).

Conditions:
Chédiak-Higashi syndrome (CHS). Also called: Chediak-Higashi Syndrome. Identifiers: Orphanet 167, MedGen C0007965, MONDO:0008963, OMIM 214500.

Allele frequency attached by ClinVar (database versions not stated): TOPMed 0.00001; gnomAD 0.00003.
gnomAD v4.1: 4 of 1,544,294 alleles (0.00026%); highest among the groups gnomAD compares: African/African-American, 0.0054%; no homozygotes.

Submission:

Labcorp Genetics (formerly Invitae), Labcorp
Classification: Uncertain significance for Chédiak-Higashi syndrome. Last evaluated: 2022-07-26. Review status: criteria provided, single submitter. Criteria: Invitae Variant Classification Sherloc (09022015). Collection method: clinical testing. Allele origin: germline.
Comment: This sequence change replaces isoleucine, which is neutral and non-polar, with valine, which is neutral and non-polar, at codon 2705 of the LYST protein (p.Ile2705Val). This variant is present in population databases (no rsID available, gnomAD 0.02%). This variant has not been reported in the literature in individuals affected with LYST-related conditions. Algorithms developed to predict the effect of missense changes on protein structure and function output the following: SIFT: "Tolerated"; PolyPhen-2: "Benign"; Align-GVGD: "Class C0". The valine amino acid residue is found in multiple mammalian species, which suggests that this missense change does not adversely affect protein function. In summary, the available evidence is currently insufficient to determine the role of this variant in disease. Therefore, it has been classified as a Variant of Uncertain Significance.

NM_000081.4(LYST):c.8113A>G (p.Ile2705Val)

Gene: LYST (lysosomal trafficking regulator; minus strand). Cytogenetic location: 1q42.3.
Variant type: single nucleotide variant.
Coding change: c.8113A>G on transcript NM_000081.4 (MANE Select); coding-DNA position 8113, A replaced by G.
Protein change: p.Ile2705Val; replaces isoleucine 2705 with valine.
Molecular consequence: missense variant.
Genome position (GRCh38, 1-based): chr1:235,744,017, T>C on the plus strand (A>G on the coding strand, the complement: LYST is on the minus strand). VCF-style: chr1-235744017-T-C. GRCh37 (hg19) VCF-style: chr1-235907317-T-C.
Other names: c.8113A>G, p.Ile2705Val (NM_001301365.1); short protein forms I2705V.
Identifiers: ClinVar variation 2136579 (VCV002136579.1), dbSNP rs1045514978, ClinGen allele CA39606086.
Genomic context (GRCh38, chr1:235,744,017, plus strand): 5'-CCCATGTAATTAATTTACTTACAATAGATACTTTGAATCCTTCTACCAGATATGTAAAAA[T>C]TTCTTTCTGAAATGGATTGAAAACAGAAGACTGTTCATGATGAATATTTTCCTCAGAAAT-3'
Protein context (NP_000072.2, residues 2695-2715): SSVFNPFQKE[Ile2705Val]FTYLVEGFKV